The following is an entry in ClinVar:

ClinVar aggregate classification (germline): Uncertain significance (0 of 4 stars; one submission).

Conditions:
PLXNA1-related disorder. Also called: PLXNA1-related condition.

gnomAD v4.1: 4 of 1,612,628 alleles (0.00025%); highest among the groups gnomAD compares: African/African-American, 0.0027%; no homozygotes.

Submission:

PreventionGenetics, part of Exact Sciences
Classification: Uncertain significance for PLXNA1-related condition. Last evaluated: 2024-09-12. Review status: no assertion criteria provided. Collection method: clinical testing. Allele origin: germline.
Comment: The PLXNA1 c.3574A>G variant is predicted to result in the amino acid substitution p.Ile1192Val. To our knowledge, this variant has not been reported in the literature. This variant is reported in 0.0063% of alleles in individuals of African descent in gnomAD. At this time, the clinical significance of this variant is uncertain due to the absence of conclusive functional and genetic evidence.

NM_032242.4(PLXNA1):c.3574A>G (p.Ile1192Val)

Gene: PLXNA1 (plexin A1; plus strand). Cytogenetic location: 3q21.3.
Variant type: single nucleotide variant.
Coding change: c.3574A>G on transcript NM_032242.4 (MANE Select); coding-DNA position 3574, A replaced by G.
Protein change: p.Ile1192Val; replaces isoleucine 1192 with valine.
Molecular consequence: missense variant.
Genome position (GRCh38, 1-based): chr3:127,017,806, A>G. VCF-style: chr3-127017806-A-G. GRCh37 (hg19) VCF-style: chr3-126736649-A-G.
Other names: short protein forms I1192V.
Identifiers: ClinVar variation 3346742 (VCV003346742.1).